The following is an entry in ClinVar:

NM_007194.4(CHEK2):c.1069T>C (p.Ser357Pro)

Gene: CHEK2 (checkpoint kinase 2; minus strand). Cytogenetic location: 22q12.1.
Variant type: single nucleotide variant.
Coding change: c.1069T>C on transcript NM_007194.4 (MANE Select); coding-DNA position 1069, T replaced by C.
Protein change: p.Ser357Pro; replaces serine 357 with proline.
Molecular consequence: missense variant. On other transcripts: intron variant (3).
Genome position (GRCh38, 1-based): chr22:28,696,927, A>G on the plus strand (T>C on the coding strand, the complement: CHEK2 is on the minus strand). VCF-style: chr22-28696927-A-G. GRCh37 (hg19) VCF-style: chr22-29092915-A-G.
Other names: c.1198T>C, p.Ser400Pro (NM_001005735.3); c.406T>C, p.Ser136Pro (NM_001257387.3, NM_001437942.1); c.868T>C, p.Ser290Pro (NM_001349956.3); c.1162T>C, p.Ser388Pro (NM_001438293.1); c.1009-1054T>C (NM_145862.3); c.1102-1054T>C (NM_001438295.1); c.1138-1054T>C (NM_001438294.1); short protein forms S290P, S136P, S357P, S400P, S388P.
Identifiers: ClinVar variation 843408 (VCV000843408.11), dbSNP rs2052608225, ClinGen allele CA411097575.

ClinVar aggregate classification (germline): Uncertain significance. Review status: criteria provided, multiple submitters, no conflicts (2 of 4 stars). 2 submissions from 2 submitters: Uncertain significance (2). Last evaluated 2025-12-15.

Conditions:
Hereditary cancer-predisposing syndrome. Also called: Hereditary Cancer Syndrome; Hereditary neoplastic syndrome; Tumor predisposition; Neoplastic Syndromes, Hereditary. Identifiers: Orphanet 140162, MedGen C0027672, MeSH D009386, MONDO:0015356.
Familial cancer of breast. Also called: hereditary breast carcinoma; BREAST CANCER, FAMILIAL; Hereditary breast cancer. Identifiers: Orphanet 227535, MedGen C0346153, MONDO:0016419, OMIM 114480. Disease mechanism: loss of function.

Submissions (2):

Labcorp Genetics (formerly Invitae), Labcorp
Classification: Uncertain significance for Familial cancer of breast. Last evaluated: 2025-12-15. Review status: criteria provided, single submitter. Criteria: Invitae Variant Classification Sherloc (09022015). Collection method: clinical testing. Allele origin: germline.
Comment: This sequence change replaces serine, which is neutral and polar, with proline, which is neutral and non-polar, at codon 357 of the CHEK2 protein (p.Ser357Pro). This variant is not present in population databases (gnomAD no frequency). This variant has not been reported in the literature in individuals affected with CHEK2-related conditions. ClinVar contains an entry for this variant (Variation ID: 843408). An algorithm developed to predict the effect of missense changes on protein structure and function (PolyPhen-2) suggests that this variant is likely to be disruptive. In summary, the available evidence is currently insufficient to determine the role of this variant in disease. Therefore, it has been classified as a Variant of Uncertain Significance.

Ambry Genetics
Classification: Uncertain significance for Hereditary cancer-predisposing syndrome. Last evaluated: 2024-07-30. Review status: criteria provided, single submitter. Criteria: Ambry Variant Classification Scheme 2023. Collection method: clinical testing. Allele origin: germline.
Comment: The p.S357P variant (also known as c.1069T>C), located in coding exon 9 of the CHEK2 gene, results from a T to C substitution at nucleotide position 1069. The serine at codon 357 is replaced by proline, an amino acid with similar properties. This amino acid position is highly conserved in available vertebrate species. In addition, this alteration is predicted to be deleterious by in silico analysis. Based on the available evidence, the clinical significance of this variant remains unclear.